The following is an entry in ClinVar:

ClinVar aggregate classification (germline): Uncertain significance (1 of 4 stars; one submission).

Conditions:
Congenital sideroblastic anemia-B-cell immunodeficiency-periodic fever-developmental delay syndrome. Also called: Sideroblastic anemia with B-cell immunodeficiency, periodic fevers, and developmental delay. Identifiers: Orphanet 369861, MedGen C4015172, MONDO:0014487, OMIM 616084.

Allele frequency attached by ClinVar (database versions not stated): gnomAD exomes below 0.00001.
gnomAD v4.1: 3 of 1,613,470 alleles (0.00019%); highest among the groups gnomAD compares: African/African-American, 0.004%; no homozygotes.

Submission:

Labcorp Genetics (formerly Invitae), Labcorp
Classification: Uncertain significance for Congenital sideroblastic anemia-B-cell immunodeficiency-periodic fever-developmental delay syndrome. Last evaluated: 2022-03-18. Review status: criteria provided, single submitter. Criteria: Invitae Variant Classification Sherloc (09022015). Collection method: clinical testing. Allele origin: germline.
Comment: This sequence change replaces serine, which is neutral and polar, with arginine, which is basic and polar, at codon 274 of the TRNT1 protein (p.Ser274Arg). This variant is not present in population databases (gnomAD no frequency). This variant has not been reported in the literature in individuals affected with TRNT1-related conditions. Algorithms developed to predict the effect of missense changes on protein structure and function (SIFT, PolyPhen-2, Align-GVGD) all suggest that this variant is likely to be tolerated. In summary, the available evidence is currently insufficient to determine the role of this variant in disease. Therefore, it has been classified as a Variant of Uncertain Significance.

NM_182916.3(TRNT1):c.820A>C (p.Ser274Arg)

Gene: TRNT1 (tRNA nucleotidyl transferase 1; plus strand). Cytogenetic location: 3p26.2.
Variant type: single nucleotide variant.
Coding change: c.820A>C on transcript NM_182916.3 (MANE Select); coding-DNA position 820, A replaced by C.
Protein change: p.Ser274Arg; replaces serine 274 with arginine.
Molecular consequence: missense variant. On other transcripts: non-coding transcript variant (8).
Genome position (GRCh38, 1-based): chr3:3,147,467, A>C. VCF-style: chr3-3147467-A-C. GRCh37 (hg19) VCF-style: chr3-3189151-A-C.
Other names: c.760A>C, p.Ser254Arg (NM_001302946.2); c.820A>C, p.Ser274Arg (NM_001367321.1, NM_001367322.1, NM_001367323.1); short protein forms S254R, S274R.
Identifiers: ClinVar variation 1500553 (VCV001500553.3), dbSNP rs1446360172, ClinGen allele CA351447376.